The following is an entry in ClinVar:

ClinVar aggregate classification (germline): Uncertain significance. Review status: criteria provided, multiple submitters, no conflicts (2 of 4 stars). 2 submissions from 2 submitters: Uncertain significance (2). Last evaluated 2026-05-27.

Conditions:
Inborn genetic diseases. Identifiers: MedGen C0950123, MeSH D030342.

Submissions (2):

Ambry Genetics
Classification: Uncertain significance for Inborn genetic diseases. Last evaluated: 2026-05-27. Review status: criteria provided, single submitter. Criteria: Ambry Variant Classification Scheme 2023. Collection method: clinical testing. Allele origin: germline.

Labcorp Genetics (formerly Invitae), Labcorp
Classification: Uncertain significance. Last evaluated: 2025-03-09. Review status: criteria provided, single submitter. Criteria: Invitae Variant Classification Sherloc (09022015). Collection method: clinical testing. Allele origin: germline.
Comment: This sequence change replaces glutamine, which is neutral and polar, with histidine, which is basic and polar, at codon 145 of the PROM1 protein (p.Gln145His). This variant is not present in population databases (gnomAD no frequency). This variant has not been reported in the literature in individuals affected with PROM1-related conditions. Invitae Evidence Modeling of protein sequence and biophysical properties (such as structural, functional, and spatial information, amino acid conservation, physicochemical variation, residue mobility, and thermodynamic stability) indicates that this missense variant is expected to disrupt PROM1 protein function with a positive predictive value of 80%. In summary, the available evidence is currently insufficient to determine the role of this variant in disease. Therefore, it has been classified as a Variant of Uncertain Significance.

NM_006017.3(PROM1):c.435G>C (p.Gln145His)

Gene: PROM1 (prominin 1; minus strand). Cytogenetic location: 4p15.32.
Variant type: single nucleotide variant.
Coding change: c.435G>C on transcript NM_006017.3 (MANE Select); coding-DNA position 435, G replaced by C.
Protein change: p.Gln145His; replaces glutamine 145 with histidine.
Molecular consequence: missense variant. On other transcripts: non-coding transcript variant (2).
Genome position (GRCh38, 1-based): chr4:16,033,378, C>G on the plus strand (G>C on the coding strand, the complement: PROM1 is on the minus strand). VCF-style: chr4-16033378-C-G. GRCh37 (hg19) VCF-style: chr4-16035001-C-G.
Other names: c.435G>C (NM_006017.2); c.408G>C, p.Gln136His (NM_001145847.2, NM_001145848.2, NM_001145851.2 and 10 more transcripts); c.435G>C, p.Gln145His (NM_001145849.2, NM_001145850.2); c.69G>C, p.Gln23His (NM_001441179.1); short protein forms Q136H, Q23H, Q145H.
Identifiers: ClinVar variation 4690550 (VCV004690550.2).